The following is an entry in ClinVar:

ClinVar aggregate classification (germline): Uncertain significance (1 of 4 stars; one submission).

Conditions:
Arrhythmogenic right ventricular dysplasia 10. Also called: Arrhythmogenic right ventricular dysplasia/cardiomyopathy, type 10; ARRHYTHMOGENIC RIGHT VENTRICULAR DYSPLASIA, FAMILIAL, 10; Arrhythmogenic Right Ventricular Dysplasia/Cardiomyopathy10. Identifiers: MedGen C1857777, MONDO:0012434, OMIM 610193.

Submission:

Labcorp Genetics (formerly Invitae), Labcorp
Classification: Uncertain significance for Arrhythmogenic right ventricular dysplasia 10. Last evaluated: 2025-02-24. Review status: criteria provided, single submitter. Criteria: Invitae Variant Classification Sherloc (09022015). Collection method: clinical testing. Allele origin: germline.
Comment: This sequence change replaces valine, which is neutral and non-polar, with leucine, which is neutral and non-polar, at codon 963 of the DSG2 protein (p.Val963Leu). This variant is not present in population databases (gnomAD no frequency). This variant has not been reported in the literature in individuals affected with DSG2-related conditions. ClinVar contains an entry for this variant (Variation ID: 1716033). Invitae Evidence Modeling of protein sequence and biophysical properties (such as structural, functional, and spatial information, amino acid conservation, physicochemical variation, residue mobility, and thermodynamic stability) has been performed for this missense variant. However, the output from this modeling did not meet the statistical confidence thresholds required to predict the impact of this variant on DSG2 protein function. In summary, the available evidence is currently insufficient to determine the role of this variant in disease. Therefore, it has been classified as a Variant of Uncertain Significance.

NM_001943.5(DSG2):c.2887G>T (p.Val963Leu)

Genes: DSG2 (desmoglein 2; plus strand), DSG2-AS1 (DSG2 antisense RNA 1; minus strand). Cytogenetic location: 18q12.1.
Variant type: single nucleotide variant.
Coding change: c.2887G>T on transcript NM_001943.5 (MANE Select); coding-DNA position 2887, G replaced by T.
Protein change: p.Val963Leu; replaces valine 963 with leucine.
Molecular consequence: missense variant.
Genome position (GRCh38, 1-based): chr18:31,546,273, G>T. VCF-style: chr18-31546273-G-T. GRCh37 (hg19) VCF-style: chr18-29126236-G-T.
Other names: short protein forms V963L.
Identifiers: ClinVar variation 1716033 (VCV001716033.5), dbSNP rs2510922532, ClinGen allele CA402147249.